The following is an entry in ClinVar:

NM_001414.4(EIF2B1):c.320C>G (p.Ser107Ter)

Gene: EIF2B1 (eukaryotic translation initiation factor 2B subunit alpha; minus strand). Cytogenetic location: 12q24.31.
Variant type: single nucleotide variant.
Coding change: c.320C>G on transcript NM_001414.4 (MANE Select); coding-DNA position 320, C replaced by G.
Protein change: p.Ser107Ter; replaces serine 107 with a stop codon.
Molecular consequence: nonsense.
Genome position (GRCh38, 1-based): chr12:123,630,218, G>C on the plus strand (C>G on the coding strand, the complement: EIF2B1 is on the minus strand). VCF-style: chr12-123630218-G-C. GRCh37 (hg19) VCF-style: chr12-124114765-G-C.
Other names: short protein forms S107*.
Identifiers: ClinVar variation 2719446 (VCV002719446.3), dbSNP rs764262014, ClinGen allele CA387145493.
Genomic context (GRCh38, chr12:123,630,218, plus strand): 5'-TATCCACTCACCGCTCCATCTTTGATGAAAGTATGGCACAGATCTGCAATTTTGTTTCTT[G>C]ACAGTGATATTCTCCTGAGAAAAAGTTCTCCCCGCTCAATCATGATCTTTTTACATTTGG-3'

ClinVar aggregate classification (germline): Pathogenic (1 of 4 stars; one submission).

gnomAD v4.1: 1 of 1,614,040 alleles (0.000062%); highest among the groups gnomAD compares: Non-Finnish European, 0.000085%; no homozygotes.

Submission:

Labcorp Genetics (formerly Invitae), Labcorp
Classification: Pathogenic. Last evaluated: 2023-06-19. Review status: criteria provided, single submitter. Criteria: Invitae Variant Classification Sherloc (09022015). Collection method: clinical testing. Allele origin: germline.
Comment: This sequence change creates a premature translational stop signal (p.Ser107*) in the EIF2B1 gene. It is expected to result in an absent or disrupted protein product. Loss-of-function variants in EIF2B1 are known to be pathogenic (PMID: 11835386, 32865661). This variant is not present in population databases (gnomAD no frequency). This variant has not been reported in the literature in individuals affected with EIF2B1-related conditions. For these reasons, this variant has been classified as Pathogenic.

Literature cited by the submitters: PubMed 11835386; PubMed 32865661.